The following is an entry in ClinVar:

NM_017460.6(CYP3A4):c.1461dup (p.Pro488fs)

Gene: CYP3A4 (cytochrome P450 family 3 subfamily A member 4; minus strand). Cytogenetic location: 7q22.1.
Variant type: Duplication.
Coding change: c.1461dup on transcript NM_017460.6 (MANE Select); coding-DNA position 1461, one base duplicated (A; older notation c.1461dupA).
Protein change: p.Pro488fs; shifts the reading frame from proline 488.
Molecular consequence: frameshift variant.
Genome position (GRCh38, 1-based): chr7:99,758,184, T duplicated on the plus strand (A on the coding strand, the reverse complement: CYP3A4 is on the minus strand); the first of 5 consecutive T bases (chr7:99,758,184-99,758,188); duplicating any one gives the same sequence. VCF-style (leftmost placement, unchanged base first): chr7-99758183-G-GT. GRCh37 (hg19) VCF-style: chr7-99355806-G-GT.
Other names: c.1458dup, p.Pro487fs (NM_001202855.3); short protein forms P487fs, P488fs.
Identifiers: ClinVar variation 1318112 (VCV001318112.2), dbSNP rs67666821, ClinGen allele CA4369455.

ClinVar aggregate classification (germline): Likely benign (1 of 4 stars; one submission).

Submission:

GeneDx
Classification: Likely benign. Last evaluated: 2018-10-31. Review status: criteria provided, single submitter. Criteria: GeneDx Variant Classification Process June 2021. Collection method: clinical testing. Allele origin: germline. Affected: yes.
Comment: This variant is associated with the following publications: (PMID: 25348618, 16580902, 31448785, 26689913)